The following is an entry in ClinVar:

NM_004727.3(SLC24A1):c.3140T>C (p.Leu1047Ser)

Gene: SLC24A1 (solute carrier family 24 member 1; plus strand). Cytogenetic location: 15q22.31.
Variant type: single nucleotide variant.
Coding change: c.3140T>C on transcript NM_004727.3 (MANE Select); coding-DNA position 3140, T replaced by C.
Protein change: p.Leu1047Ser; replaces leucine 1047 with serine.
Molecular consequence: missense variant. On other transcripts: intron variant (1).
Genome position (GRCh38, 1-based): chr15:65,653,919, T>C. VCF-style: chr15-65653919-T-C. GRCh37 (hg19) VCF-style: chr15-65946257-T-C.
Other names: c.1121T>C, p.Leu374Ser (NM_001254740.2); c.3050T>C, p.Leu1017Ser (NM_001301031.1); c.3086T>C, p.Leu1029Ser (NM_001301032.1); c.2996+1111T>C (NM_001301033.2); short protein forms L1017S, L1047S, L1029S, L374S.
Identifiers: ClinVar variation 1371527 (VCV001371527.6), dbSNP rs2141737541, ClinGen allele CA392903622.

ClinVar aggregate classification (germline): Uncertain significance (1 of 4 stars; one submission).

Allele frequency attached by ClinVar (database versions not stated): gnomAD exomes below 0.00001.
gnomAD v4.1: 2 of 1,614,040 alleles (0.00012%); highest among the groups gnomAD compares: Non-Finnish European, 0.00017%; no homozygotes.

Submission:

Labcorp Genetics (formerly Invitae), Labcorp
Classification: Uncertain significance. Last evaluated: 2022-03-19. Review status: criteria provided, single submitter. Criteria: Invitae Variant Classification Sherloc (09022015). Collection method: clinical testing. Allele origin: germline.
Comment: In summary, the available evidence is currently insufficient to determine the role of this variant in disease. Therefore, it has been classified as a Variant of Uncertain Significance. Algorithms developed to predict the effect of missense changes on protein structure and function (SIFT, PolyPhen-2, Align-GVGD) all suggest that this variant is likely to be disruptive. This variant has not been reported in the literature in individuals affected with SLC24A1-related conditions. This variant is not present in population databases (gnomAD no frequency). This sequence change replaces leucine, which is neutral and non-polar, with serine, which is neutral and polar, at codon 1047 of the SLC24A1 protein (p.Leu1047Ser).